The following is an entry in ClinVar:

NM_024334.3(TMEM43):c.1115G>A (p.Arg372Gln)

Gene: TMEM43 (transmembrane protein 43; plus strand). Cytogenetic location: 3p25.1.
Variant type: single nucleotide variant.
Coding change: c.1115G>A on transcript NM_024334.3 (MANE Select); coding-DNA position 1115, G replaced by A.
Protein change: p.Arg372Gln; replaces arginine 372 with glutamine.
Molecular consequence: missense variant.
Genome position (GRCh38, 1-based): chr3:14,141,707, G>A. VCF-style: chr3-14141707-G-A. GRCh37 (hg19) VCF-style: chr3-14183207-G-A.
Other names: p.R372Q:CGA>CAA; short protein forms R372Q.
Identifiers: ClinVar variation 202123 (VCV000202123.14), dbSNP rs749140979, ClinGen allele CA024591.

ClinVar aggregate classification (germline): Uncertain significance. Review status: criteria provided, multiple submitters, no conflicts (2 of 4 stars). 5 submissions from 5 submitters: Uncertain significance (5). Last evaluated 2024-03-19.

Conditions:
Arrhythmogenic right ventricular dysplasia 5. Also called: Arrhythmogenic Right Ventricular Dysplasia/Cardiomyopathy 5; ARRHYTHMOGENIC RIGHT VENTRICULAR DYSPLASIA, FAMILIAL, 5. Identifiers: MedGen C1858379, MONDO:0011459, OMIM 604400.
Emery-Dreifuss muscular dystrophy 7, autosomal dominant (EDMD7). Also called: Emery-Dreifuss muscular dystrophy 7, AD. Identifiers: Orphanet 261, MedGen C3553060, MONDO:0013677, OMIM 614302.
Auditory neuropathy, autosomal dominant 3 (AUNA3). Identifiers: MedGen C5676964, MONDO:0859235, OMIM 619832.

Allele frequency attached by ClinVar (database versions not stated): gnomAD exomes 0.00002; gnomAD 0.00001 and 0.00002; ExAC 0.00002; TOPMed 0.00002.
gnomAD v4.1: 16 of 1,613,920 alleles (0.00099%); highest among the groups gnomAD compares: South Asian, 0.0099%; 1 homozygote.

Submissions (5):

Fulgent Genetics
Classification: Uncertain significance for Arrhythmogenic right ventricular dysplasia 5; Emery-Dreifuss muscular dystrophy 7, autosomal dominant; Auditory neuropathy, autosomal dominant 3. Last evaluated: 2024-03-19. Review status: criteria provided, single submitter. Criteria: ACMG Guidelines, 2015. Collection method: clinical testing. Allele origin: germline.

All of Us Research Program, National Institutes of Health
Classification: Uncertain significance for Arrhythmogenic right ventricular dysplasia 5. Last evaluated: 2023-04-27. Review status: criteria provided, single submitter. Criteria: ACMG Guidelines, 2015. Collection method: clinical testing. Allele origin: germline. Inheritance: Autosomal dominant inheritance. Observed: 1 variant allele, 1 heterozygote.
Comment: This study involves interpretation of variants in research participants for the purpose of population health screening. Participant phenotype was not available at the time of variant classification. Additional details can be found in publication PMID: 35346344, PMCID: PMC8962531

GeneDx
Classification: Uncertain significance. Last evaluated: 2022-04-06. Review status: criteria provided, single submitter. Criteria: GeneDx Variant Classification Process June 2021. Collection method: clinical testing. Allele origin: germline. Affected: yes.
Comment: Not observed at significant frequency in large population cohorts (gnomAD); In silico analysis supports that this missense variant has a deleterious effect on protein structure/function; Has not been previously published as pathogenic or benign to our knowledge

Labcorp Genetics (formerly Invitae), Labcorp
Classification: Uncertain significance for Arrhythmogenic right ventricular dysplasia 5. Last evaluated: 2021-09-01. Review status: criteria provided, single submitter. Criteria: Invitae Variant Classification Sherloc (09022015). Collection method: clinical testing. Allele origin: germline.
Comment: This sequence change replaces arginine with glutamine at codon 372 of the TMEM43 protein (p.Arg372Gln). The arginine residue is highly conserved and there is a small physicochemical difference between arginine and glutamine. This variant is present in population databases (rs749140979, ExAC 0.01%). This variant has not been reported in the literature in individuals affected with TMEM43-related conditions. ClinVar contains an entry for this variant (Variation ID: 202123). Algorithms developed to predict the effect of missense changes on protein structure and function (SIFT, PolyPhen-2, Align-GVGD) all suggest that this variant is likely to be disruptive. In summary, the available evidence is currently insufficient to determine the role of this variant in disease. Therefore, it has been classified as a Variant of Uncertain Significance.

ARUP Laboratories, Molecular Genetics and Genomics, ARUP Laboratories
Classification: Uncertain significance. Last evaluated: 2021-07-23. Review status: criteria provided, single submitter. Criteria: ARUP Molecular Germline Variant Investigation Process 2021. Collection method: clinical testing. Allele origin: germline.
Comment: The TMEM43 c.1115G>A; p.Arg372Gln variant (rs749140979), to our knowledge, is not reported in the medical literature but is reported in ClinVar (Variation ID: 202123). This variant is found on only five chromosomes (5/282770 alleles) in the Genome Aggregation Database. The arginine at codon 372 is highly conserved, but computational analyses are uncertain whether this variant is neutral or deleterious (REVEL: 0.682). Given the lack of clinical and functional data, the significance of the p.Arg372Gln variant is uncertain at this time.